The following is an entry in ClinVar:

NM_001903.5(CTNNA1):c.1032G>A (p.Leu344=)

Gene: CTNNA1 (catenin alpha 1; plus strand). Cytogenetic location: 5q31.2.
Variant type: single nucleotide variant.
Coding change: c.1032G>A on transcript NM_001903.5 (MANE Select); coding-DNA position 1032, G replaced by A.
Protein change: p.Leu344=; no amino-acid change (leucine 344 retained).
Molecular consequence: synonymous variant.
Genome position (GRCh38, 1-based): chr5:138,827,688, G>A. VCF-style: chr5-138827688-G-A. GRCh37 (hg19) VCF-style: chr5-138163377-G-A.
Other names: c.1032G>A, p.Leu344= (NM_001290307.3, NM_001323982.2, NM_001323983.1 and 3 more transcripts); c.723G>A, p.Leu241= (NM_001290309.3); c.663G>A, p.Leu221= (NM_001290310.3).
Identifiers: ClinVar variation 743777 (VCV000743777.14), dbSNP rs750655307, ClinGen allele CA3431604.

ClinVar aggregate classification (germline): Benign/Likely benign. Review status: criteria provided, multiple submitters, no conflicts (2 of 4 stars). 3 submissions from 3 submitters: Benign (1); Likely benign (2). Last evaluated 2025-09-02.

Conditions:
Hereditary diffuse gastric adenocarcinoma (HDGC). Also called: DIFFUSE GASTRIC AND LOBULAR BREAST CANCER SYNDROME. Identifiers: Orphanet 26106, MedGen C1708349, MONDO:0007648, OMIM 137215.
Hereditary cancer-predisposing syndrome. Also called: Tumor predisposition; Hereditary Cancer Syndrome; Neoplastic Syndromes, Hereditary; Hereditary neoplastic syndrome. Identifiers: Orphanet 140162, MedGen C0027672, MeSH D009386, MONDO:0015356.

gnomAD v4.1: 1 of 1,614,224 alleles (0.000062%); highest among the groups gnomAD compares: South Asian, 0.0011%; no homozygotes.

Submissions (3):

Labcorp Genetics (formerly Invitae), Labcorp
Classification: Likely benign. Last evaluated: 2025-09-02. Review status: criteria provided, single submitter. Criteria: Invitae Variant Classification Sherloc (09022015). Collection method: clinical testing. Allele origin: germline.

Myriad Genetics, Inc.
Classification: Benign for Hereditary diffuse gastric adenocarcinoma. Last evaluated: 2024-10-10. Review status: criteria provided, single submitter. Criteria: Myriad Autosomal Dominant, Autosomal Recessive and X-Linked Classification Criteria (2023). Collection method: clinical testing. Allele origin: unknown.
Comment: This variant is considered benign. This variant is a silent/synonymous amino acid change and it is not expected to impact splicing.

Ambry Genetics
Classification: Likely benign for Hereditary cancer-predisposing syndrome. Last evaluated: 2020-03-21. Review status: criteria provided, single submitter. Criteria: Ambry Variant Classification Scheme 2023. Collection method: clinical testing. Allele origin: germline.